The following is an entry in ClinVar:

NM_001384474.1(LOXHD1):c.5693-1G>T

Gene: LOXHD1 (lipoxygenase homology PLAT domains 1; minus strand). Cytogenetic location: 18q21.1.
Variant type: single nucleotide variant.
Coding change: c.5693-1G>T on transcript NM_001384474.1 (MANE Select); the canonical splice acceptor site of the intron before coding-DNA position 5693, G replaced by T.
Molecular consequence: splice acceptor variant.
Genome position (GRCh38, 1-based): chr18:46,506,024, C>A on the plus strand (G>T on the coding strand, the complement: LOXHD1 is on the minus strand). VCF-style: chr18-46506024-C-A. GRCh37 (hg19) VCF-style: chr18-44085987-C-A.
Other names: c.2360-1G>T (NM_001145472.3); c.2072-1G>T (NM_001308013.2); c.410-1G>T (NM_001173129.2, NM_001145473.3); c.5507-1G>T (NM_144612.7).
Identifiers: ClinVar variation 2746737 (VCV002746737.3), dbSNP rs754490370, ClinGen allele CA8952143.

ClinVar aggregate classification (germline): Likely pathogenic (1 of 4 stars; one submission).

Allele frequency attached by ClinVar (database versions not stated): gnomAD exomes below 0.00001; ExAC 0.00004.
gnomAD v4.1: 1 of 1,552,100 alleles (0.000064%); highest among the groups gnomAD compares: South Asian, 0.0012%; no homozygotes.

Submission:

Labcorp Genetics (formerly Invitae), Labcorp
Classification: Likely pathogenic. Last evaluated: 2023-06-01. Review status: criteria provided, single submitter. Criteria: Invitae Variant Classification Sherloc (09022015). Collection method: clinical testing. Allele origin: germline.
Comment: Algorithms developed to predict the effect of sequence changes on RNA splicing suggest that this variant may disrupt the consensus splice site. In summary, the currently available evidence indicates that the variant is pathogenic, but additional data are needed to prove that conclusively. Therefore, this variant has been classified as Likely Pathogenic. This variant has not been reported in the literature in individuals affected with LOXHD1-related conditions. The frequency data for this variant in the population databases is considered unreliable, as metrics indicate poor data quality at this position in the gnomAD database. This sequence change affects an acceptor splice site in intron 35 of the LOXHD1 gene. It is expected to disrupt RNA splicing. Variants that disrupt the donor or acceptor splice site typically lead to a loss of protein function (PMID: 16199547), and loss-of-function variants in LOXHD1 are known to be pathogenic (PMID: 19732867, 21465660, 25792669).

Literature cited by the submitters: PubMed 16199547; PubMed 19732867; PubMed 21465660; PubMed 25792669.